The following is an entry in ClinVar:

NM_000132.4(F8):c.6581G>T (p.Ser2194Ile)

Gene: F8 (coagulation factor VIII; minus strand). Cytogenetic location: Xq28.
Variant type: single nucleotide variant.
Coding change: c.6581G>T on transcript NM_000132.4 (MANE Select); coding-DNA position 6581, G replaced by T.
Protein change: p.Ser2194Ile; replaces serine 2194 with isoleucine.
Molecular consequence: missense variant.
Genome position (GRCh38, 1-based): chrX:154,861,860, C>A on the plus strand (G>T on the coding strand, the complement: F8 is on the minus strand). VCF-style: chrX-154861860-C-A. GRCh37 (hg19) VCF-style: chrX-154090135-C-A.
Other names: c.176G>T, p.Ser59Ile (NM_019863.3); short protein forms S59I, S2194I.
Identifiers: ClinVar variation 3781291 (VCV003781291.1).

ClinVar aggregate classification (germline): Uncertain significance (1 of 4 stars; one submission).

gnomAD v4.1: 1 of 1,211,272 alleles (0.000083%); highest among the groups gnomAD compares: Non-Finnish European, 0.00011%; no homozygotes.

Submission:

GeneDx
Classification: Uncertain significance. Last evaluated: 2024-10-20. Review status: criteria provided, single submitter. Criteria: GeneDx Variant Classification Process June 2021. Collection method: clinical testing. Allele origin: germline. Affected: yes.
Comment: Not observed at significant frequency in large population cohorts (gnomAD); In silico analysis supports that this missense variant has a deleterious effect on protein structure/function; Has not been previously published as pathogenic or benign to our knowledge